The following is an entry in ClinVar:

NM_006946.4(SPTBN2):c.3429A>G (p.Leu1143=)

Gene: SPTBN2 (spectrin beta, non-erythrocytic 2; minus strand). Cytogenetic location: 11q13.2.
Variant type: single nucleotide variant.
Coding change: c.3429A>G on transcript NM_006946.4 (MANE Select); coding-DNA position 3429, A replaced by G.
Protein change: p.Leu1143=; no amino-acid change (leucine 1143 retained).
Molecular consequence: synonymous variant.
Genome position (GRCh38, 1-based): chr11:66,700,670, T>C on the plus strand (A>G on the coding strand, the complement: SPTBN2 is on the minus strand). VCF-style: chr11-66700670-T-C. GRCh37 (hg19) VCF-style: chr11-66468141-T-C.
Other names: p.Leu1143=; c.3429A>G (NM_006946.3).
Identifiers: ClinVar variation 305566 (VCV000305566.52), dbSNP rs35370566, ClinGen allele CA6128868.

ClinVar aggregate classification (germline): Benign/Likely benign. Review status: criteria provided, multiple submitters, no conflicts (2 of 4 stars). 7 submissions from 7 submitters: Benign (3); Likely benign (3). 1 of the submissions does not count toward it. Last evaluated 2026-06-01.

Conditions:
SPTBN2-related disorder. Also called: SPTBN2-related condition.

Allele frequency attached by ClinVar (database versions not stated): 1000 Genomes Project 30x 0.00094; 1000 Genomes Project 0.00100; gnomAD exomes 0.00104 and 0.00153; ExAC 0.00112; ESP Exome Variant Server 0.00116; gnomAD 0.00164 and 0.00168; TOPMed 0.00166.
gnomAD v4.1: 1,804 of 1,606,988 alleles (0.11%); highest among the groups gnomAD compares: Middle Eastern, 0.4%; 5 homozygotes.

Submissions (7):

CeGaT Center for Human Genetics Tuebingen
Classification: Likely benign. Last evaluated: 2026-06-01. Review status: criteria provided, single submitter. Criteria: CeGaT Center For Human Genetics Tuebingen Variant Classification Criteria Version 2. Collection method: clinical testing. Allele origin: germline. Affected: yes. Observed: 6 variant alleles.
Comment: SPTBN2: BP4, BP7

Labcorp Genetics (formerly Invitae), Labcorp
Classification: Benign. Last evaluated: 2025-10-21. Review status: criteria provided, single submitter. Criteria: Invitae Variant Classification Sherloc (09022015). Collection method: clinical testing. Allele origin: germline.

Athena Diagnostics
Classification: Benign. Last evaluated: 2025-02-14. Review status: criteria provided, single submitter. Criteria: Athena Diagnostics Criteria. Collection method: clinical testing. Allele origin: unknown.
Comment: The frequency of this variant in the general population is higher than would generally be expected for pathogenic variants in this gene.

Blueprint Genetics
Classification: Likely benign. Last evaluated: 2024-11-26. Review status: criteria provided, single submitter. Criteria: ACMG Guidelines, 2015. Collection method: clinical testing. Allele origin: germline.

Mayo Clinic Laboratories, Mayo Clinic
Classification: Benign. Last evaluated: 2024-10-31. Review status: criteria provided, single submitter. Criteria: ACMG Guidelines, 2015. Collection method: clinical testing. Allele origin: germline. Observed: 2 variant alleles.
Comment: BA1, BP4, BP7

Breakthrough Genomics
Classification: Likely benign. Review status: criteria provided, single submitter. Criteria: ACMG Guidelines, 2015. Collection method: not provided. Allele origin: germline. Inheritance: Autosomal recessive inheritance. Affected: yes.

PreventionGenetics, part of Exact Sciences
Classification: Benign for SPTBN2-related condition. Last evaluated: 2019-05-08. Review status: no assertion criteria provided. Collection method: clinical testing. Allele origin: germline. Not counted in ClinVar's aggregate classification.
Comment: This variant is classified as benign based on ACMG/AMP sequence variant interpretation guidelines (Richards et al. 2015 PMID: 25741868, with internal and published modifications).